The following is an entry in ClinVar:

ClinVar aggregate classification (germline): Likely pathogenic (1 of 4 stars; one submission).

Conditions:
Familial thoracic aortic aneurysm and aortic dissection (TAAD). Also called: Thoracic aortic aneurysms and dissections. Identifiers: Orphanet 91387, MedGen C4707243, MONDO:0019625.

Submission:

Ambry Genetics
Classification: Likely pathogenic for Familial thoracic aortic aneurysm and aortic dissection. Last evaluated: 2017-11-13. Review status: criteria provided, single submitter. Criteria: Ambry Variant Classification Scheme 2023. Collection method: clinical testing. Allele origin: germline.
Comment: The p.G690E variant (also known as c.2069G>A), located in coding exon 30 of the COL3A1 gene, results from a G to A substitution at nucleotide position 2069. The glycine at codon 690 is replaced by glutamic acid, an amino acid with similar properties, and is located in the triple-helical domain. Other alterations affecting this amino acid (p.G690R, c.2068G>A and p.G690V, c.2069G>T) have been detected in a vascular Ehlers-Danlos syndrome cohort (Pepin MG. Genet Med. 2014;16(12):881-8). The majority (approximately two-thirds) of COL3A1 mutations identified to date have involved the substitution of another amino acid for glycine within the triple-helical domain (Schwarze U et al. Am J Hum Genet. 1997;61(6):1276-1286; Pepin MG et al. Genet Med. 2014;16(12):881-8). In addition, internal structural analysis indicates that this alteration would disrupt the characteristic motif of collagen, and insert a bulky sidechain into a sterically constrained region (Bella J et al. Science. 1994;266(5182):75-81; Hohenester E et al. Proc Natl Acad Sci U.S.A. 2008;105(47):18273-7). This amino acid position is highly conserved in available vertebrate species. In addition, this alteration is predicted to be deleterious by in silico analysis. Based on the majority of available evidence to date, this variant is likely to be pathogenic.

Literature cited by the submitters: PubMed 12488462; PubMed 19011090; PubMed 7695699.

NM_000090.4(COL3A1):c.2069G>A (p.Gly690Glu)

Gene: COL3A1 (collagen type III alpha 1 chain; plus strand). Cytogenetic location: 2q32.2.
Variant type: single nucleotide variant.
Coding change: c.2069G>A on transcript NM_000090.4 (MANE Select); coding-DNA position 2069, G replaced by A.
Protein change: p.Gly690Glu; replaces glycine 690 with glutamic acid.
Molecular consequence: missense variant.
Genome position (GRCh38, 1-based): chr2:188,999,331, G>A. VCF-style: chr2-188999331-G-A. GRCh37 (hg19) VCF-style: chr2-189864057-G-A.
Other names: short protein forms G690E.
Identifiers: ClinVar variation 519607 (VCV000519607.5), dbSNP rs587779458, ClinGen allele CA349840081.